The following is an entry in ClinVar:

ClinVar aggregate classification (germline): Uncertain significance (1 of 4 stars; one submission).

Conditions:
Dilated cardiomyopathy 1G (CMD1G). Identifiers: Orphanet 154, MedGen C1858763, MONDO:0011400, OMIM 604145.
Autosomal recessive limb-girdle muscular dystrophy type 2J (LGMDR10). Also called: Limb-girdle muscular dystrophy, type 2J; MUSCULAR DYSTROPHY, LIMB-GIRDLE, AUTOSOMAL RECESSIVE 10. Identifiers: Orphanet 140922, MedGen C1837342, MONDO:0012127, OMIM 608807.

Allele frequency attached by ClinVar (database versions not stated): gnomAD exomes below 0.00001; gnomAD 0.00001; TOPMed 0.00001.
gnomAD v4.1: 1 of 1,613,836 alleles (0.000062%); highest among the groups gnomAD compares: Non-Finnish European, 0.000085%; no homozygotes.

Submission:

Labcorp Genetics (formerly Invitae), Labcorp
Classification: Uncertain significance for Dilated cardiomyopathy 1G; Autosomal recessive limb-girdle muscular dystrophy type 2J. Last evaluated: 2022-11-29. Review status: criteria provided, single submitter. Criteria: Invitae Variant Classification Sherloc (09022015). Collection method: clinical testing. Allele origin: germline.
Comment: This variant is present in population databases (no rsID available, gnomAD 0.0009%). In summary, the available evidence is currently insufficient to determine the role of this variant in disease. Therefore, it has been classified as a Variant of Uncertain Significance. This variant is located in the M band of TTN (PMID: 25589632). Variants in this region may be relevant for neuromuscular disorders, but have not been definitively shown to cause cardiomyopathy (PMID: 23975875). Experimental studies and prediction algorithms are not available or were not evaluated, and the functional significance of this variant is currently unknown. ClinVar contains an entry for this variant (Variation ID: 950118). This variant has not been reported in the literature in individuals affected with TTN-related conditions. This sequence change replaces tryptophan, which is neutral and slightly polar, with serine, which is neutral and polar, at codon 35162 of the TTN protein (p.Trp35162Ser).

Literature cited by the submitters: PubMed 25589632; PubMed 23975875.

NM_001267550.2(TTN):c.105485G>C (p.Trp35162Ser)

Genes: TTN-AS1 (TTN antisense RNA 1; plus strand), TTN (titin; minus strand). Cytogenetic location: 2q31.2.
Variant type: single nucleotide variant.
Coding change: c.105485G>C on transcript NM_001267550.2 (MANE Select); coding-DNA position 105485, G replaced by C.
Protein change: p.Trp35162Ser; replaces tryptophan 35162 with serine.
Molecular consequence: missense variant.
Genome position (GRCh38, 1-based): chr2:178,531,130, C>G on the plus strand (G>C on the coding strand, the complement: TTN is on the minus strand). VCF-style: chr2-178531130-C-G. GRCh37 (hg19) VCF-style: chr2-179395857-C-G.
Other names: c.100562G>C, p.Trp33521Ser (NM_001256850.1); c.78290G>C, p.Trp26097Ser (NM_003319.4); c.97781G>C, p.Trp32594Ser (NM_133378.4); c.78665G>C, p.Trp26222Ser (NM_133432.3); c.78866G>C, p.Trp26289Ser (NM_133437.4); short protein forms W26097S, W26222S, W26289S, W33521S, W35162S, W32594S.
Identifiers: ClinVar variation 950118 (VCV000950118.8), dbSNP rs886042795, ClinGen allele CA60953847.